The following is an entry in ClinVar:

ClinVar aggregate classification (germline): Uncertain significance (1 of 4 stars; one submission).

Submission:

Labcorp Genetics (formerly Invitae), Labcorp
Classification: Uncertain significance. Last evaluated: 2023-01-03. Review status: criteria provided, single submitter. Criteria: Invitae Variant Classification Sherloc (09022015). Collection method: clinical testing. Allele origin: germline.
Comment: This variant has not been reported in the literature in individuals affected with NFKB1-related conditions. In summary, the available evidence is currently insufficient to determine the role of this variant in disease. Therefore, it has been classified as a Variant of Uncertain Significance. Advanced modeling of protein sequence and biophysical properties (such as structural, functional, and spatial information, amino acid conservation, physicochemical variation, residue mobility, and thermodynamic stability) performed at Invitae indicates that this missense variant is not expected to disrupt NFKB1 protein function. This variant is not present in population databases (gnomAD no frequency). This sequence change replaces leucine, which is neutral and non-polar, with valine, which is neutral and non-polar, at codon 757 of the NFKB1 protein (p.Leu757Val).

NM_003998.4(NFKB1):c.2269C>G (p.Leu757Val)

Gene: NFKB1 (nuclear factor kappa B subunit 1; plus strand). Cytogenetic location: 4q24.
Variant type: single nucleotide variant.
Coding change: c.2269C>G on transcript NM_003998.4 (MANE Select); coding-DNA position 2269, C replaced by G.
Protein change: p.Leu757Val; replaces leucine 757 with valine.
Molecular consequence: missense variant.
Genome position (GRCh38, 1-based): chr4:102,610,616, C>G. VCF-style: chr4-102610616-C-G. GRCh37 (hg19) VCF-style: chr4-103531773-C-G.
Other names: c.2266C>G, p.Leu756Val (NM_001165412.2, NM_001319226.2, NM_001382627.1); c.2269C>G, p.Leu757Val (NM_001382625.1, NM_001382626.1); c.2227C>G, p.Leu743Val (NM_001382628.1); short protein forms L756V, L743V, L757V.
Identifiers: ClinVar variation 2823657 (VCV002823657.3), dbSNP rs1206315302, ClinGen allele CA357753675.